The following is an entry in ClinVar:

ClinVar aggregate classification (germline): Uncertain significance (1 of 4 stars; one submission).

Submission:

GeneDx
Classification: Uncertain significance. Last evaluated: 2026-02-24. Review status: criteria provided, single submitter. Criteria: GeneDx Variant Classification Process June 2021. Collection method: clinical testing. Allele origin: germline.
Comment: Not observed at significant frequency in large population cohorts (gnomAD); In silico analysis supports that this missense variant has a deleterious effect on protein structure/function; Has not been previously published as pathogenic or benign to our knowledge

NM_002474.3(MYH11):c.1548G>T (p.Gln516His)

Gene: MYH11 (myosin heavy chain 11; minus strand). Cytogenetic location: 16p13.11.
Variant type: single nucleotide variant.
Coding change: c.1548G>T on transcript NM_002474.3 (MANE Select); coding-DNA position 1548, G replaced by T.
Protein change: p.Gln516His; replaces glutamine 516 with histidine.
Molecular consequence: missense variant.
Genome position (GRCh38, 1-based): chr16:15,757,854, C>A on the plus strand (G>T on the coding strand, the complement: MYH11 is on the minus strand). VCF-style: chr16-15757854-C-A. GRCh37 (hg19) VCF-style: chr16-15851711-C-A.
Other names: c.1569G>T, p.Gln523His (NM_001040113.2, NM_001040114.2); c.1548G>T, p.Gln516His (NM_022844.3); short protein forms Q523H, Q516H.
Identifiers: ClinVar variation 5009809 (VCV005009809.1).